The following is an entry in ClinVar:

ClinVar aggregate classification (germline): Uncertain significance. Review status: criteria provided, multiple submitters, no conflicts (2 of 4 stars). 2 submissions from 2 submitters: Uncertain significance (2). Last evaluated 2025-10-23.

Conditions:
Neurofibromatosis, type 1 (NF1). Also called: Peripheral type neurofibromatosis; VON RECKLINGHAUSEN DISEASE; NEUROFIBROMATOSIS, TYPE I, SOMATIC; Neurofibromatosis, type I. Identifiers: Orphanet 636, MedGen C0027831, MONDO:0018975, OMIM 162200. Disease mechanism: loss of function.

Submissions (2):

Mayo Clinic Laboratories, Mayo Clinic
Classification: Uncertain significance. Last evaluated: 2025-10-23. Review status: criteria provided, single submitter. Criteria: ACMG Guidelines, 2015. Collection method: clinical testing. Allele origin: germline. Observed: 1 variant allele.
Comment: PM2_supporting

Labcorp Genetics (formerly Invitae), Labcorp
Classification: Uncertain significance for Neurofibromatosis, type 1. Last evaluated: 2024-01-29. Review status: criteria provided, single submitter. Criteria: Invitae Variant Classification Sherloc (09022015). Collection method: clinical testing. Allele origin: germline.
Comment: This sequence change falls in intron 20 of the NF1 gene. It does not directly change the encoded amino acid sequence of the NF1 protein. It affects a nucleotide within the consensus splice site. This variant is not present in population databases (gnomAD no frequency). This variant has not been reported in the literature in individuals affected with NF1-related conditions. Variants that disrupt the consensus splice site are a relatively common cause of aberrant splicing (PMID: 17576681, 9536098). Algorithms developed to predict the effect of sequence changes on RNA splicing suggest that this variant may disrupt the consensus splice site. In summary, the available evidence is currently insufficient to determine the role of this variant in disease. Therefore, it has been classified as a Variant of Uncertain Significance.

Literature cited by the submitters: PubMed 17576681 (cited by Labcorp Genetics (formerly Invitae), Labcorp); PubMed 9536098 (cited by Labcorp Genetics (formerly Invitae), Labcorp).

NM_001042492.3(NF1):c.2409+4del

Gene: NF1 (neurofibromin 1; plus strand). Cytogenetic location: 17q11.2.
Variant type: Deletion.
Coding change: c.2409+4del on transcript NM_001042492.3 (MANE Select); 4 bases into the intron after coding-DNA position 2409, one base deleted (A; older notation c.2409+4delA).
Molecular consequence: intron variant.
Genome position (GRCh38, 1-based): chr17:31,227,610, A deleted; the last of 2 consecutive A bases (chr17:31,227,609-31,227,610); deleting either gives the same sequence. VCF-style (leftmost placement, unchanged base first): chr17-31227608-TA-T. GRCh37 (hg19) VCF-style: chr17-29554626-TA-T.
Other names: p.?; c.2409+4del (NM_000267.4, NM_000267.3).
Identifiers: ClinVar variation 2714076 (VCV002714076.4), dbSNP rs2508172024, ClinGen allele CA2697559724.